The following is an entry in ClinVar:

NM_006269.2(RP1):c.2482C>T (p.Gln828Ter)

Gene: RP1 (RP1 axonemal microtubule associated; plus strand). Cytogenetic location: 8q12.1.
Variant type: single nucleotide variant.
Coding change: c.2482C>T on transcript NM_006269.2 (MANE Select); coding-DNA position 2482, C replaced by T.
Protein change: p.Gln828Ter; replaces glutamine 828 with a stop codon.
Molecular consequence: nonsense. On other transcripts: intron variant (1).
Genome position (GRCh38, 1-based): chr8:54,626,364, C>T. VCF-style: chr8-54626364-C-T. GRCh37 (hg19) VCF-style: chr8-55538924-C-T.
Other names: c.787+4076C>T (NM_001375654.1); short protein forms Q828*.
Identifiers: ClinVar variation 2003536 (VCV002003536.4), dbSNP rs2536575137, ClinGen allele CA370993942.
Genomic context (GRCh38, chr8:54,626,364, plus strand): 5'-AAATATTGCAAAAGTACTTTTGAAAACAAAAGTTTATTTCATGTATTTAACATCCTTGAG[C>T]AAAAACCCAAAGATTTTTATGCACCGCAATCTCAAGCAGAAGTGGCATCTGGGTATTTGA-3'

ClinVar aggregate classification (germline): Pathogenic (1 of 4 stars; one submission).

gnomAD v4.1: 2 of 1,613,340 alleles (0.00012%); highest among the groups gnomAD compares: African/African-American, 0.0013%; no homozygotes.

Submission:

Labcorp Genetics (formerly Invitae), Labcorp
Classification: Pathogenic. Last evaluated: 2022-06-08. Review status: criteria provided, single submitter. Criteria: Invitae Variant Classification Sherloc (09022015). Collection method: clinical testing. Allele origin: germline.
Comment: For these reasons, this variant has been classified as Pathogenic. This variant disrupts the C-terminus of the RP1 protein. Many variants that disrupt this region have been reported in individuals with either autosomal dominant or autosomal recessive retinitis pigmentosa (PMID: 11527933, 19933189, 29425069, 30027431, 33681214). Therefore, variants that disrupt this region are expected to be disease-causing. This variant has not been reported in the literature in individuals affected with RP1-related conditions. This variant is not present in population databases (gnomAD no frequency). This sequence change creates a premature translational stop signal (p.Gln828*) in the RP1 gene. While this is not anticipated to result in nonsense mediated decay, it is expected to disrupt the last 1329 amino acid(s) of the RP1 protein.

Literature cited by the submitters: PubMed 11527933; PubMed 19933189; PubMed 29425069; PubMed 30027431; PubMed 33681214.